The following is an entry in ClinVar:

ClinVar aggregate classification (germline): Uncertain significance (1 of 4 stars; one submission).

Submission:

Women's Health and Genetics/Laboratory Corporation of America, LabCorp
Classification: Uncertain significance. Last evaluated: 2020-01-09. Review status: criteria provided, single submitter. Criteria: LabCorp Variant Classification Summary - May 2015. Collection method: clinical testing. Allele origin: germline.
Comment: Variant summary: MYRF c.425C>G (p.Ser142Trp) results in a non-conservative amino acid change in the encoded protein sequence. Four of five in-silico tools predict a damaging effect of the variant on protein function. The variant was absent in 239094 control chromosomes. The available data on variant occurrences in the general population are insufficient to allow any conclusion about variant significance. To our knowledge, no occurrence of c.425C>G in individuals affected with Cardiac-urogenital syndrome and no experimental evidence demonstrating its impact on protein function have been reported. No clinical diagnostic laboratories have submitted clinical-significance assessments for this variant to ClinVar after 2014. Based on the evidence outlined above, the variant was classified as uncertain significance.

NM_001127392.3(MYRF):c.425C>G (p.Ser142Trp)

Gene: MYRF (myelin regulatory factor; plus strand). Cytogenetic location: 11q12.2.
Variant type: single nucleotide variant.
Coding change: c.425C>G on transcript NM_001127392.3 (MANE Select); coding-DNA position 425, C replaced by G.
Protein change: p.Ser142Trp; replaces serine 142 with tryptophan.
Molecular consequence: missense variant.
Genome position (GRCh38, 1-based): chr11:61,769,286, C>G. VCF-style: chr11-61769286-C-G. GRCh37 (hg19) VCF-style: chr11-61536758-C-G.
Other names: c.398C>G, p.Ser133Trp (NM_013279.4); short protein forms S133W, S142W.
Identifiers: ClinVar variation 917641 (VCV000917641.1), dbSNP rs2066143314, ClinGen allele CA380846497.